The following is an entry in ClinVar:

ClinVar aggregate classification (germline): Uncertain significance. Review status: criteria provided, multiple submitters, no conflicts (2 of 4 stars). 2 submissions from 2 submitters: Uncertain significance (2). Last evaluated 2023-02-27.

Conditions:
Candidiasis, familial, 8 (CANDF8). Identifiers: Orphanet 1334, MedGen C3714992, MONDO:0014230, OMIM 615527.

Allele frequency attached by ClinVar (database versions not stated): TOPMed 0.00002; gnomAD exomes 0.00003 and 0.00008; gnomAD 0.00005; ExAC 0.00007.
gnomAD v4.1: 55 of 1,613,954 alleles (0.0034%); highest among the groups gnomAD compares: East Asian, 0.045%; no homozygotes.

Submissions (2):

Ambry Genetics
Classification: Uncertain significance. Last evaluated: 2023-02-27. Review status: criteria provided, single submitter. Criteria: Ambry Variant Classification Scheme 2023. Collection method: clinical testing. Allele origin: germline.

Labcorp Genetics (formerly Invitae), Labcorp
Classification: Uncertain significance for Candidiasis, familial, 8. Last evaluated: 2022-06-13. Review status: criteria provided, single submitter. Criteria: Invitae Variant Classification Sherloc (09022015). Collection method: clinical testing. Allele origin: germline.
Comment: This sequence change replaces valine, which is neutral and non-polar, with isoleucine, which is neutral and non-polar, at codon 460 of the TRAF3IP2 protein (p.Val460Ile). This variant is present in population databases (rs775776262, gnomAD 0.06%), including at least one homozygous and/or hemizygous individual. This variant has not been reported in the literature in individuals affected with TRAF3IP2-related conditions. ClinVar contains an entry for this variant (Variation ID: 860464). Algorithms developed to predict the effect of missense changes on protein structure and function output the following: SIFT: "Tolerated"; PolyPhen-2: "Benign"; Align-GVGD: "Class C0". The isoleucine amino acid residue is found in multiple mammalian species, which suggests that this missense change does not adversely affect protein function. In summary, the available evidence is currently insufficient to determine the role of this variant in disease. Therefore, it has been classified as a Variant of Uncertain Significance.

NM_147686.4(TRAF3IP2):c.1378G>A (p.Val460Ile)

Genes: TRAF3IP2 (TRAF3 interacting protein 2; minus strand), TRAF3IP2-AS1 (TRAF3IP2 antisense RNA 1; plus strand). Cytogenetic location: 6q21.
Variant type: single nucleotide variant.
Coding change: c.1378G>A on transcript NM_147686.4 (MANE Select); coding-DNA position 1378, G replaced by A.
Protein change: p.Val460Ile; replaces valine 460 with isoleucine.
Molecular consequence: missense variant.
Genome position (GRCh38, 1-based): chr6:111,566,542, C>T on the plus strand (G>A on the coding strand, the complement: TRAF3IP2 is on the minus strand). VCF-style: chr6-111566542-C-T. GRCh37 (hg19) VCF-style: chr6-111887745-C-T.
Other names: c.1375G>A, p.Val459Ile (NM_001164281.3); c.10G>A, p.Val4Ile (NM_001164283.3); c.1405G>A, p.Val469Ile (NM_147200.3); c.1378G>A (NM_147686.2); short protein forms V460I, V459I, V469I, V4I.
Identifiers: ClinVar variation 860464 (VCV000860464.7), dbSNP rs775776262, ClinGen allele CA3963089.